The following is an entry in ClinVar:

NM_025144.4(ALPK1):c.3063del (p.Lys1021fs)

Gene: ALPK1 (alpha kinase 1; plus strand). Cytogenetic location: 4q25.
Variant type: Deletion.
Coding change: c.3063del on transcript NM_025144.4 (MANE Select); coding-DNA position 3063, one base deleted (A; older notation c.3063delA).
Protein change: p.Lys1021fs; shifts the reading frame from lysine 1021.
Molecular consequence: frameshift variant.
Genome position (GRCh38, 1-based): chr4:112,435,176, A deleted; the last of 7 consecutive A bases (chr4:112,435,170-112,435,176); deleting any one gives the same sequence. VCF-style (leftmost placement, unchanged base first): chr4-112435169-CA-C. GRCh37 (hg19) VCF-style: chr4-113356325-CA-C.
Other names: c.3063del, p.Lys1021fs (NM_001102406.2); c.2829del, p.Lys943fs (NM_001253884.2); short protein forms K1021fs, K943fs.
Identifiers: ClinVar variation 3609844 (VCV003609844.2).

ClinVar aggregate classification (germline): Uncertain significance (1 of 4 stars; one submission).

Submission:

Labcorp Genetics (formerly Invitae), Labcorp
Classification: Uncertain significance. Last evaluated: 2024-12-19. Review status: criteria provided, single submitter. Criteria: Invitae Variant Classification Sherloc (09022015). Collection method: clinical testing. Allele origin: germline.
Comment: This sequence change creates a premature translational stop signal (p.Lys1021Asnfs*18) in the ALPK1 gene. It is expected to result in an absent or disrupted protein product. However, the current clinical and genetic evidence is not sufficient to establish whether loss-of-function variants in ALPK1 cause disease. The frequency data for this variant in the population databases is considered unreliable, as metrics indicate poor data quality at this position in the gnomAD database. This variant has not been reported in the literature in individuals affected with ALPK1-related conditions. In summary, the available evidence is currently insufficient to determine the role of this variant in disease. Therefore, it has been classified as a Variant of Uncertain Significance.